The following is an entry in ClinVar:

ClinVar aggregate classification (germline): Uncertain significance. Review status: criteria provided, multiple submitters, no conflicts (2 of 4 stars). 2 submissions from 2 submitters: Uncertain significance (2). Last evaluated 2025-08-27.

Allele frequency attached by ClinVar (database versions not stated): gnomAD exomes 0.00003 and 0.00005; gnomAD 0.00006 and 0.00007; ExAC 0.00008; ESP Exome Variant Server 0.00008; TOPMed 0.00008.
gnomAD v4.1: 55 of 1,613,956 alleles (0.0034%); highest among the groups gnomAD compares: Middle Eastern, 0.049%; no homozygotes.

Submissions (2):

Labcorp Genetics (formerly Invitae), Labcorp
Classification: Uncertain significance. Last evaluated: 2025-08-27. Review status: criteria provided, single submitter. Criteria: Invitae Variant Classification Sherloc (09022015). Collection method: clinical testing. Allele origin: germline.
Comment: This sequence change replaces glutamic acid, which is acidic and polar, with lysine, which is basic and polar, at codon 65 of the MECOM protein (p.Glu65Lys). This variant is present in population databases (rs371291867, gnomAD 0.03%). This variant has not been reported in the literature in individuals affected with MECOM-related conditions. ClinVar contains an entry for this variant (Variation ID: 1298944). An algorithm developed to predict the effect of missense changes on protein structure and function (PolyPhen-2) suggests that this variant is likely to be tolerated. In summary, the available evidence is currently insufficient to determine the role of this variant in disease. Therefore, it has been classified as a Variant of Uncertain Significance.

CeGaT Center for Human Genetics Tuebingen
Classification: Uncertain significance. Last evaluated: 2021-09-01. Review status: criteria provided, single submitter. Criteria: CeGaT Center For Human Genetics Tuebingen Variant Classification Criteria Version 2. Collection method: clinical testing. Allele origin: germline. Affected: yes. Observed: 1 variant allele.

NM_004991.4(MECOM):c.757G>A (p.Glu253Lys)

Gene: MECOM (MDS1 and EVI1 complex locus; minus strand). Cytogenetic location: 3q26.2.
Variant type: single nucleotide variant.
Coding change: c.757G>A on transcript NM_004991.4 (MANE Select); coding-DNA position 757, G replaced by A.
Protein change: p.Glu253Lys; replaces glutamic acid 253 with lysine.
Molecular consequence: missense variant.
Genome position (GRCh38, 1-based): chr3:169,127,917, C>T on the plus strand (G>A on the coding strand, the complement: MECOM is on the minus strand). VCF-style: chr3-169127917-C-T. GRCh37 (hg19) VCF-style: chr3-168845705-C-T.
Other names: c.385G>A, p.Glu129Lys (NM_001105077.4); c.193G>A, p.Glu65Lys (NM_001105078.4, NM_001163999.2, NM_001164000.2 and 9 more transcripts); c.757G>A, p.Glu253Lys (NM_001366466.2, NM_001366473.2); short protein forms E129K, E253K, E65K.
Identifiers: ClinVar variation 1298944 (VCV001298944.39), dbSNP rs371291867, ClinGen allele CA2696476.